The following is an entry in ClinVar:

ClinVar aggregate classification (germline): Uncertain significance. Review status: criteria provided, multiple submitters, no conflicts (2 of 4 stars). 2 submissions from 2 submitters: Uncertain significance (2). Last evaluated 2026-02-04.

Conditions:
Hereditary cancer-predisposing syndrome. Also called: Tumor predisposition; Hereditary Cancer Syndrome; Hereditary neoplastic syndrome; Neoplastic Syndromes, Hereditary. Identifiers: Orphanet 140162, MedGen C0027672, MeSH D009386, MONDO:0015356.

Submissions (2):

Ambry Genetics
Classification: Uncertain significance for Hereditary cancer-predisposing syndrome. Last evaluated: 2026-02-04. Review status: criteria provided, single submitter. Criteria: Ambry Variant Classification Scheme 2023. Collection method: clinical testing. Allele origin: germline.
Comment: The p.I365T variant (also known as c.1094T>C), located in coding exon 10 of the TSC2 gene, results from a T to C substitution at nucleotide position 1094. The isoleucine at codon 365 is replaced by threonine, an amino acid with similar properties. This amino acid position is not well conserved in available vertebrate species. In addition, the in silico prediction for this alteration is inconclusive. Based on the available evidence, the clinical significance of this variant remains unclear.

GeneDx
Classification: Uncertain significance. Last evaluated: 2023-06-30. Review status: criteria provided, single submitter. Criteria: GeneDx Variant Classification Process June 2021. Collection method: clinical testing. Allele origin: germline. Affected: yes.
Comment: Not observed at significant frequency in large population cohorts (gnomAD); In silico analysis supports that this missense variant has a deleterious effect on protein structure/function; Has not been previously published as pathogenic or benign to our knowledge; This variant is associated with the following publications: (PMID: 18466115)

NM_000548.5(TSC2):c.1094T>C (p.Ile365Thr)

Gene: TSC2 (TSC complex subunit 2; plus strand). Cytogenetic location: 16p13.3.
Variant type: single nucleotide variant.
Coding change: c.1094T>C on transcript NM_000548.5 (MANE Select); coding-DNA position 1094, T replaced by C.
Protein change: p.Ile365Thr; replaces isoleucine 365 with threonine.
Molecular consequence: missense variant.
Genome position (GRCh38, 1-based): chr16:2,060,788, T>C. VCF-style: chr16-2060788-T-C. GRCh37 (hg19) VCF-style: chr16-2110789-T-C.
Other names: c.1094T>C, p.Ile365Thr (NM_001077183.3, NM_001114382.3, NM_001363528.2 and 6 more transcripts); c.983T>C, p.Ile328Thr (NM_001318827.2, NM_001406670.1, NM_001406678.1); c.947T>C, p.Ile316Thr (NM_001318829.2, NM_001406675.1, NM_001406676.1 and 1 more transcripts); c.494T>C, p.Ile165Thr (NM_001318831.2, NM_001406680.1, NM_001406682.1 and 6 more transcripts); c.1127T>C, p.Ile376Thr (NM_001318832.2); c.1184T>C, p.Ile395Thr (NM_001406667.1, NM_001406668.1); c.1082T>C, p.Ile361Thr (NM_001406671.1, NM_001406673.1); c.1037T>C, p.Ile346Thr (NM_001406677.1); and 4 more; short protein forms I165T, I211T, I316T, I328T, I346T, I361T, I365T, I376T.
Identifiers: ClinVar variation 1722991 (VCV001722991.5), dbSNP rs2151138380, ClinGen allele CA394318204.